The following is an entry in ClinVar:

NM_019109.5(ALG1):c.1222C>T (p.Leu408=)

Gene: ALG1 (ALG1 chitobiosyldiphosphodolichol beta-mannosyltransferase; plus strand). Cytogenetic location: 16p13.3.
Variant type: single nucleotide variant.
Coding change: c.1222C>T on transcript NM_019109.5 (MANE Select); coding-DNA position 1222, C replaced by T.
Protein change: p.Leu408=; no amino-acid change (leucine 408 retained).
Molecular consequence: synonymous variant.
Genome position (GRCh38, 1-based): chr16:5,083,716, C>T. VCF-style: chr16-5083716-C-T. GRCh37 (hg19) VCF-style: chr16-5133717-C-T.
Other names: c.889C>T, p.Leu297= (NM_001330504.2).
Identifiers: ClinVar variation 385855 (VCV000385855.17), dbSNP rs149319732, ClinGen allele CA7890280.

ClinVar aggregate classification (germline): Benign/Likely benign. Review status: criteria provided, multiple submitters, no conflicts (2 of 4 stars). 7 submissions from 7 submitters: Benign (2); Likely benign (3). 2 of the submissions do not count toward it. Last evaluated 2026-02-01.

Conditions:
ALG1-related disorder. Also called: ALG1-related condition.
ALG1-congenital disorder of glycosylation. Also called: CDG Ik; CONGENITAL DISORDER OF GLYCOSYLATION, TYPE Ik; ALG1-CDG. Identifiers: Orphanet 79327, MedGen C2931005, MONDO:0012052, OMIM 608540.

Allele frequency attached by ClinVar (database versions not stated): gnomAD exomes 0.00023 and 0.00063; ExAC 0.00073; ESP Exome Variant Server 0.00178; gnomAD 0.00210 and 0.00217; TOPMed 0.00239; 1000 Genomes Project 0.00260; 1000 Genomes Project 30x 0.00344.

Submissions (7):

Labcorp Genetics (formerly Invitae), Labcorp
Classification: Benign for ALG1-congenital disorder of glycosylation. Last evaluated: 2026-02-01. Review status: criteria provided, single submitter. Criteria: Invitae Variant Classification Sherloc (09022015). Collection method: clinical testing. Allele origin: germline.

PreventionGenetics, part of Exact Sciences
Classification: Likely benign for ALG1-related condition. Last evaluated: 2025-06-14. Review status: criteria provided, single submitter. Criteria: ACMG Guidelines, 2015. Collection method: clinical testing. Allele origin: germline.
Comment: This variant is classified as likely benign based on ACMG/AMP sequence variant interpretation guidelines (Richards et al. 2015 PMID: 25741868, with internal and published modifications).

ARUP Laboratories, Molecular Genetics and Genomics, ARUP Laboratories
Classification: Benign for ALG1-congenital disorder of glycosylation. Last evaluated: 2024-10-11. Review status: criteria provided, single submitter. Criteria: ARUP Molecular Germline Variant Investigation Process 2024. Collection method: clinical testing. Allele origin: germline.

GeneDx
Classification: Likely benign. Last evaluated: 2016-07-13. Review status: criteria provided, single submitter. Criteria: GeneDx Variant Classification (06012015). Collection method: clinical testing. Allele origin: germline. Affected: yes.
Comment: This variant is considered likely benign or benign based on one or more of the following criteria: it is a conservative change, it occurs at a poorly conserved position in the protein, it is predicted to be benign by multiple in silico algorithms, and/or has population frequency not consistent with disease.

Breakthrough Genomics
Classification: Likely benign. Review status: criteria provided, single submitter. Criteria: ACMG Guidelines, 2015. Collection method: not provided. Allele origin: germline. Inheritance: Autosomal recessive inheritance. Affected: yes.

Clinical Genetics DNA and cytogenetics Diagnostics Lab, Erasmus MC, Erasmus Medical Center
Classification: Likely benign. Review status: no assertion criteria provided. Collection method: clinical testing. Allele origin: germline. Affected: yes. Study: VKGL Data-share Consensus. Not counted in ClinVar's aggregate classification.

Genome Diagnostics Laboratory, University Medical Center Utrecht
Classification: Likely benign. Review status: no assertion criteria provided. Collection method: clinical testing. Allele origin: germline. Affected: yes. Study: VKGL Data-share Consensus. Not counted in ClinVar's aggregate classification.